The following is an entry in ClinVar:

ClinVar aggregate classification (germline): Uncertain significance (1 of 4 stars; one submission).

Conditions:
SCN10A-related disorder. Also called: SCN10A-related condition.

Submission:

PreventionGenetics, part of Exact Sciences
Classification: Uncertain significance for SCN10A-related condition. Last evaluated: 2026-04-14. Review status: criteria provided, single submitter. Criteria: ACMG Guidelines, 2015. Collection method: clinical testing. Allele origin: germline.
Comment: The SCN10A c.2675C>G variant is predicted to result in the amino acid substitution p.Ser892Cys. To our knowledge, this variant has not been reported in the literature or in a large population database (gnomAD), indicating this variant is rare. At this time, the clinical significance of this variant is uncertain due to the absence of conclusive functional and genetic evidence.

NM_006514.4(SCN10A):c.2675C>G (p.Ser892Cys)

Gene: SCN10A (sodium voltage-gated channel alpha subunit 10; minus strand). Cytogenetic location: 3p22.2.
Variant type: single nucleotide variant.
Coding change: c.2675C>G on transcript NM_006514.4 (MANE Select); coding-DNA position 2675, C replaced by G.
Protein change: p.Ser892Cys; replaces serine 892 with cysteine.
Molecular consequence: missense variant.
Genome position (GRCh38, 1-based): chr3:38,727,018, G>C on the plus strand (C>G on the coding strand, the complement: SCN10A is on the minus strand). VCF-style: chr3-38727018-G-C. GRCh37 (hg19) VCF-style: chr3-38768509-G-C.
Other names: c.2675C>G, p.Ser892Cys (NM_001293306.2); c.2381C>G, p.Ser794Cys (NM_001293307.2); short protein forms S794C, S892C.
Identifiers: ClinVar variation 4993896 (VCV004993896.1).